The following is an entry in ClinVar:

ClinVar aggregate classification (germline): Uncertain significance. Review status: criteria provided, multiple submitters, no conflicts (2 of 4 stars). 4 submissions from 4 submitters: Uncertain significance (4). Last evaluated 2024-09-17.

Conditions:
Hereditary cancer-predisposing syndrome. Also called: Neoplastic Syndromes, Hereditary; Tumor predisposition; Hereditary Cancer Syndrome; Hereditary neoplastic syndrome. Identifiers: Orphanet 140162, MedGen C0027672, MeSH D009386, MONDO:0015356.
Microcephaly, normal intelligence and immunodeficiency (NBS). Also called: Immunodeficiency, microcephaly with normal intelligence; Nijmegen breakage syndrome; Microcephaly with normal intelligence immunodeficiency and lymphoreticular malignancies; Nonsyndromal microcephaly autosomal recessive with normal intelligence; Seemanova syndrome 2; BERLIN BREAKAGE SYNDROME. Identifiers: Orphanet 647, MedGen C0398791, MONDO:0009623, OMIM 251260.

Submissions (4):

Hema, HEMA – Genetic and Molecular Diagnostic Laboratory
Classification: Uncertain significance for Microcephaly, normal intelligence and immunodeficiency. Last evaluated: 2024-09-17. Review status: criteria provided, single submitter. Criteria: HEMA Variant Classification Assertion Criteria. Collection method: clinical testing. Allele origin: germline.
Comment: It is a deletion of two nucleotides that results in a frameshift in NBN. PVS1_Moderate: The variant c.2210_2211del p.(Glu737ValfsTer4) is a nonsense variant in the penultimate exon of NBN, leading to a transcript that escapes nonsense-mediated decay and removes less than 10% of the protein (the last 18 amino acids are replaced by three incorrect amino acids). PM2_Supporting: Present at very low frequency in gnomAD.

Ambry Genetics
Classification: Uncertain significance for Hereditary cancer-predisposing syndrome. Last evaluated: 2024-02-16. Review status: criteria provided, single submitter. Criteria: Ambry Variant Classification Scheme 2023. Collection method: clinical testing. Allele origin: germline.
Comment: The c.2210_2211delAG variant, located in coding exon 15 of the NBN gene, results from a deletion of two nucleotides at nucleotide positions 2210 to 2211, causing a translational frameshift with a predicted alternate stop codon (p.E737Vfs*4). This alteration occurs at the 3' terminus of theNBN gene, is not expected to trigger nonsense-mediated mRNAdecay, and only impacts the last 19 amino acids of the protein. The exact functional effect of this alteration is unknown. Based on the available evidence, the clinical significance of this alteration remains unclear.

Labcorp Genetics (formerly Invitae), Labcorp
Classification: Uncertain significance for Microcephaly, normal intelligence and immunodeficiency. Last evaluated: 2023-08-18. Review status: criteria provided, single submitter. Criteria: Invitae Variant Classification Sherloc (09022015). Collection method: clinical testing. Allele origin: germline.
Comment: This sequence change creates a premature translational stop signal (p.Glu737Valfs*4) in the NBN gene. While this is not anticipated to result in nonsense mediated decay, it is expected to disrupt the last 18 amino acid(s) of the NBN protein. This variant is not present in population databases (gnomAD no frequency). In summary, the available evidence is currently insufficient to determine the role of this variant in disease. Therefore, it has been classified as a Variant of Uncertain Significance. Experimental studies have shown that this premature translational stop signal affects NBN function (PMID: 15758953). Algorithms developed to predict the effect of variants on protein structure and function are not available or were not evaluated for this variant. ClinVar contains an entry for this variant (Variation ID: 422616). This variant has not been reported in the literature in individuals affected with NBN-related conditions.

GeneDx
Classification: Uncertain significance. Last evaluated: 2022-04-01. Review status: criteria provided, single submitter. Criteria: GeneDx Variant Classification Process June 2021. Collection method: clinical testing. Allele origin: germline. Affected: yes.
Comment: Not observed at significant frequency in large population cohorts (gnomAD); Frameshift variant predicted to result in protein truncation as the last 18 amino acids are replaced with 3 different amino acids; Has not been previously published as pathogenic or benign to our knowledge

Literature cited by the submitters: PubMed 15758953 (cited by Labcorp Genetics (formerly Invitae), Labcorp).

NM_002485.5(NBN):c.2210_2211del (p.Glu737fs)

Gene: NBN (nibrin; minus strand). Cytogenetic location: 8q21.3.
Variant type: Microsatellite.
Coding change: c.2210_2211del on transcript NM_002485.5 (MANE Select); coding-DNA positions 2210 to 2211, 2 bases deleted (AG; older notation c.2210_2211delAG).
Protein change: p.Glu737fs; shifts the reading frame from glutamic acid 737.
Molecular consequence: frameshift variant.
Genome position (GRCh38, 1-based): chr8:89,937,049-89,937,050, CT deleted on the plus strand (AG on the coding strand, the reverse complement: NBN is on the minus strand); deleting any 2 consecutive bases within chr8:89,937,049-89,937,052 gives the same sequence; the c. name uses the placement nearest the transcript's 3' end. VCF-style (leftmost placement, unchanged base first): chr8-89937048-ACT-A. GRCh37 (hg19) VCF-style: chr8-90949276-ACT-A.
Other names: c.1964_1965del, p.Glu655fs (NM_001024688.3); c.2210_2211delAG (NM_002485.4); short protein forms E737fs, E655fs.
Identifiers: ClinVar variation 422616 (VCV000422616.9), dbSNP rs774508816, ClinGen allele CA16618696.